The following is an entry in ClinVar:

NM_016373.4(WWOX):c.605+17A>C

Gene: WWOX (WW domain containing oxidoreductase; plus strand). Cytogenetic location: 16q23.1.
Variant type: single nucleotide variant.
Coding change: c.605+17A>C on transcript NM_016373.4 (MANE Select); 17 bases into the intron after coding-DNA position 605, A replaced by C.
Molecular consequence: intron variant.
Genome position (GRCh38, 1-based): chr16:78,386,965, A>C. VCF-style: chr16-78386965-A-C. GRCh37 (hg19) VCF-style: chr16-78420862-A-C.
Other names: c.266+17A>C (NM_001291997.2).
Identifiers: ClinVar variation 389363 (VCV000389363.2), dbSNP rs757657426, ClinGen allele CA8183356.

ClinVar aggregate classification (germline): Likely benign. Review status: criteria provided, multiple submitters, no conflicts (2 of 4 stars). 2 submissions from 2 submitters: Likely benign (2). Last evaluated 2025-07-23.

Conditions:
Autosomal recessive spinocerebellar ataxia 12. Also called: SPINOCEREBELLAR ATAXIA WITH MENTAL RETARDATION AND EPILEPSY. Identifiers: Orphanet 284282, MedGen C3280452, MONDO:0013687, OMIM 614322.
Developmental and epileptic encephalopathy, 1 (DEE1). Also called: Epileptic encephalopathy, early infantile, 1; X-linked infantile spasms; West's syndrome; Tonic spasms with clustering, arrest of psychomotor development and hypsarrhythmia on EEG; X-Linked Infantile Spasm Syndrome; OHTAHARA SYNDROME, X-LINKED. Identifiers: MedGen C3463992, MONDO:0010632, OMIM 308350. Disease mechanism: loss of function.

gnomAD v4.1: 5 of 1,606,958 alleles (0.00031%); highest among the groups gnomAD compares: Non-Finnish European, 0.00026%; no homozygotes.

Submissions (2):

Labcorp Genetics (formerly Invitae), Labcorp
Classification: Likely benign for Developmental and epileptic encephalopathy, 1; Autosomal recessive spinocerebellar ataxia 12. Last evaluated: 2025-07-23. Review status: criteria provided, single submitter. Criteria: Invitae Variant Classification Sherloc (09022015). Collection method: clinical testing. Allele origin: germline.

GeneDx
Classification: Likely benign. Last evaluated: 2016-09-19. Review status: criteria provided, single submitter. Criteria: GeneDx Variant Classification (06012015). Collection method: clinical testing. Allele origin: germline. Affected: yes.
Comment: This variant is considered likely benign or benign based on one or more of the following criteria: it is a conservative change, it occurs at a poorly conserved position in the protein, it is predicted to be benign by multiple in silico algorithms, and/or has population frequency not consistent with disease.